The following is an entry in ClinVar:

ClinVar aggregate classification (germline): Likely pathogenic (1 of 4 stars; one submission).

Conditions:
COL1A2-related disorder. Also called: COL1A2-Related Disorders; COL1A2-related condition.

Submission:

PreventionGenetics, part of Exact Sciences
Classification: Likely pathogenic for COL1A2-related condition. Last evaluated: 2022-08-30. Review status: criteria provided, single submitter. Criteria: ACMG Guidelines, 2015. Collection method: clinical testing. Allele origin: germline.
Comment: The COL1A2 c.3160-1G>C variant is predicted to disrupt the AG splice acceptor site and interfere with normal splicing. This variant is predicted to disrupt the AG splice acceptor site and interfere with normal splicing. To our knowledge, this variant has not been reported in the literature or in a large population database, indicating this variant is rare. Variants that disrupt the consensus splice acceptor site in COL1A2 are expected to be pathogenic. This variant is interpreted as likely pathogenic.

NM_000089.4(COL1A2):c.3160-1G>C

Gene: COL1A2 (collagen type I alpha 2 chain; plus strand). Cytogenetic location: 7q21.3.
Variant type: single nucleotide variant.
Coding change: c.3160-1G>C on transcript NM_000089.4 (MANE Select); the canonical splice acceptor site of the intron before coding-DNA position 3160, G replaced by C.
Molecular consequence: splice acceptor variant.
Genome position (GRCh38, 1-based): chr7:94,427,187, G>C. VCF-style: chr7-94427187-G-C. GRCh37 (hg19) VCF-style: chr7-94056499-G-C.
Identifiers: ClinVar variation 2636291 (VCV002636291.1), dbSNP rs2484737558, ClinGen allele CA368225401.
Genomic context (GRCh38, chr7:94,427,187, plus strand): 5'-GGCTGCTGCTCCCTTGGTGGGATTCACCAGCTCACATGTACCTGGTGTCTGTCTTCCTTA[G>C]GGCCCTGCTGGTCCTTCTGGCCCTGCTGGAAAAGATGGTCGCACTGGACATCCTGGTACA-3'